The following is an entry in ClinVar:

ClinVar aggregate classification (germline): Uncertain significance (1 of 4 stars; one submission).

Submission:

Quest Diagnostics Nichols Institute San Juan Capistrano
Classification: Uncertain significance. Last evaluated: 2025-01-07. Review status: criteria provided, single submitter. Criteria: Quest Diagnostics criteria. Collection method: clinical testing. Allele origin: unknown.
Comment: The HBA1 c.*115dup variant has not been reported in individuals with HBA1-related conditions in the published literature. The frequency of this variant in the general population (Genome Aggregation Database) is higher than would generally be expected for pathogenic variants in this gene. Analysis of this variant using software algorithms for the prediction of the effect of nucleotide changes on splicing yielded predictions that this variant does not affect HBA1 mRNA splicing. Based on the available information, we are unable to determine the clinical significance of this variant.

NM_000558.3(HBA1):c.*115dup

Genes: HBA1 (hemoglobin subunit alpha 1; plus strand), LOC106804613 (hemoglobin subunit alpha 1 recombination region; plus strand). Cytogenetic location: 16p13.3.
Variant type: Duplication.
Coding change: c.*115dup on transcript NM_000558.3; 115 bases downstream of the stop codon, one base duplicated (T; older notation c.*115dupT).
Genome position (GRCh38, 1-based): chr16:177,526, T duplicated. VCF-style (leftmost placement, unchanged base first): chr16-177525-C-CT. GRCh37 (hg19) VCF-style: chr16-227524-C-CT.
Identifiers: ClinVar variation 4533030 (VCV004533030.1).